The following is an entry in ClinVar:

ClinVar aggregate classification (germline): Benign. Review status: criteria provided, multiple submitters, no conflicts (2 of 4 stars). 6 submissions from 6 submitters: Benign (6). Last evaluated 2026-02-04.

Conditions:
Donnai-Barrow syndrome. Also called: DBS/FOAR SYNDROME; FACIOOCULOACOUSTICORENAL SYNDROME. Identifiers: Orphanet 2143, MedGen C1857277, MONDO:0009104, OMIM 222448.

Allele frequency attached by ClinVar (database versions not stated): TOPMed 0.03928; gnomAD 0.04070 and 0.04156; gnomAD exomes 0.04073; ESP Exome Variant Server 0.04160; ExAC 0.04274; 1000 Genomes Project 30x 0.04466; 1000 Genomes Project 0.04493.
gnomAD v4.1: 53,233 of 1,592,960 alleles (3.3%); highest among the groups gnomAD compares: South Asian, 7.7%; 1,233 homozygotes.

Submissions (6):

Labcorp Genetics (formerly Invitae), Labcorp
Classification: Benign. Last evaluated: 2026-02-04. Review status: criteria provided, single submitter. Criteria: Invitae Variant Classification Sherloc (09022015). Collection method: clinical testing. Allele origin: germline.

Blueprint Genetics
Classification: Benign. Last evaluated: 2024-11-26. Review status: criteria provided, single submitter. Criteria: ACMG Guidelines, 2015. Collection method: clinical testing. Allele origin: germline.

Genome-Nilou Lab
Classification: Benign for Donnai-Barrow syndrome. Last evaluated: 2021-07-15. Review status: criteria provided, single submitter. Criteria: ACMG Guidelines, 2015. Collection method: clinical testing. Allele origin: germline. Affected: no.

GeneDx
Classification: Benign. Last evaluated: 2020-03-02. Review status: criteria provided, single submitter. Criteria: GeneDx Variant Classification Process June 2021. Collection method: clinical testing. Allele origin: germline. Affected: yes.

Illumina Laboratory Services, Illumina
Classification: Benign for Donnai-Barrow syndrome. Last evaluated: 2018-01-12. Review status: criteria provided, single submitter. Criteria: ICSL Variant Classification Criteria 13 December 2019. Collection method: clinical testing. Allele origin: germline.
Comment: This variant was observed in the ICSL laboratory as part of a predisposition screen in an ostensibly healthy population. It had not been previously curated by ICSL or reported in the Human Gene Mutation Database (HGMD: prior to June 1st, 2018), and was therefore a candidate for classification through an automated scoring system. Utilizing variant allele frequency, disease prevalence and penetrance estimates, and inheritance mode, an automated score was calculated to assess if this variant is too frequent to cause the disease. Based on the score and internal cut-off values, a variant classified as benign is not then subjected to further curation. The score for this variant resulted in a classification of benign for this disease.

Breakthrough Genomics
Classification: Benign. Review status: criteria provided, single submitter. Criteria: ACMG Guidelines, 2015. Collection method: not provided. Allele origin: germline. Inheritance: Autosomal recessive inheritance. Affected: yes.

NM_004525.3(LRP2):c.6040+15C>T

Gene: LRP2 (LDL receptor related protein 2; minus strand). Cytogenetic location: 2q31.1.
Variant type: single nucleotide variant.
Coding change: c.6040+15C>T on transcript NM_004525.3 (MANE Select); 15 bases into the intron after coding-DNA position 6040, C replaced by T.
Molecular consequence: intron variant.
Genome position (GRCh38, 1-based): chr2:169,213,642, G>A on the plus strand (C>T on the coding strand, the complement: LRP2 is on the minus strand). VCF-style: chr2-169213642-G-A. GRCh37 (hg19) VCF-style: chr2-170070152-G-A.
Identifiers: ClinVar variation 332153 (VCV000332153.20), dbSNP rs17848168, ClinGen allele CA1954387.